The following is an entry in ClinVar:

NM_004380.3(CREBBP):c.5100G>T (p.Gln1700His)

Gene: CREBBP (CREB binding lysine acetyltransferase; minus strand). Cytogenetic location: 16p13.3.
Variant type: single nucleotide variant.
Coding change: c.5100G>T on transcript NM_004380.3 (MANE Select); coding-DNA position 5100, G replaced by T.
Protein change: p.Gln1700His; replaces glutamine 1700 with histidine.
Molecular consequence: missense variant.
Genome position (GRCh38, 1-based): chr16:3,731,264, C>A on the plus strand (G>T on the coding strand, the complement: CREBBP is on the minus strand). VCF-style: chr16-3731264-C-A. GRCh37 (hg19) VCF-style: chr16-3781265-C-A.
Other names: c.4986G>T, p.Gln1662His (NM_001079846.1); short protein forms Q1700H, Q1662H.
Identifiers: ClinVar variation 4838987 (VCV004838987.2).
Genomic context (GRCh38, chr16:3,731,264, plus strand): 5'-GCAGTGCCAGCGCGTCTCCACGTGGTGCTTGCACTCGTTGCAGGTGTAGACAAAGCGGTC[C>A]TGGCCCTGGGTGTGCAGCTCCACCAGCATGCAGAGCGTGGACCACTTGGAGCGGCGCAAG-3'
Protein context (NP_004371.2, residues 1690-1710): CMLVELHTQG[Gln1700His]DRFVYTCNEC

ClinVar aggregate classification (germline): Uncertain significance. Review status: criteria provided, multiple submitters, no conflicts (2 of 4 stars). 2 submissions from 2 submitters: Uncertain significance (2). Last evaluated 2026-03-29.

Conditions:
Inborn genetic diseases. Identifiers: MedGen C0950123, MeSH D030342.
CREBBP-related disorder. Also called: CREBBP-related condition; CREBBP-related disorders.

gnomAD v4.1: 2 of 1,614,102 alleles (0.00012%); highest among the groups gnomAD compares: Admixed American, 0.0033%; no homozygotes.

Submissions (2):

PreventionGenetics, part of Exact Sciences
Classification: Uncertain significance for CREBBP-related condition. Last evaluated: 2026-03-29. Review status: criteria provided, single submitter. Criteria: ACMG Guidelines, 2015. Collection method: clinical testing. Allele origin: germline.
Comment: The CREBBP c.5100G>T variant is predicted to result in the amino acid substitution p.Gln1700His. To our knowledge, this variant has not been reported in the literature. This variant is reported in 0.0029% of alleles in individuals of Latino descent in gnomAD. At this time, the clinical significance of this variant is uncertain due to the absence of conclusive functional and genetic evidence.

Ambry Genetics
Classification: Uncertain significance for Inborn genetic diseases. Last evaluated: 2026-01-05. Review status: criteria provided, single submitter. Criteria: Ambry Variant Classification Scheme 2023. Collection method: clinical testing. Allele origin: germline.
Comment: The c.5100G>T (p.Q1700H) alteration is located in exon 30 (coding exon 30) of the CREBBP gene. This alteration results from a G to T substitution at nucleotide position 5100, causing the glutamine (Q) at amino acid position 1700 to be replaced by a histidine (H). Based on data from gnomAD, the T allele has an overall frequency of <0.001% (1/251092) total alleles studied. The highest observed frequency was 0.003% (1/34568) of Latino alleles. Based on insufficient or conflicting evidence, the clinical significance of this alteration remains unclear.